The following is an entry in ClinVar:

ClinVar aggregate classification (germline): Benign (1 of 4 stars; one submission).

Conditions:
Lynch syndrome 4 (LYNCH4). Also called: Colorectal cancer, hereditary nonpolyposis, type 4; Hereditary non-polyposis colorectal cancer, type 4. Identifiers: Orphanet 144, MedGen C1838333, MONDO:0013699, OMIM 614337. Disease mechanism: loss of function.

gnomAD v4.1: 2 of 1,122,598 alleles (0.00018%); highest among the groups gnomAD compares: South Asian, 0.0012%; no homozygotes.

Submission:

Myriad Genetics, Inc.
Classification: Benign for Lynch syndrome 4. Last evaluated: 2025-01-28. Review status: criteria provided, single submitter. Criteria: Myriad Autosomal Dominant, Autosomal Recessive and X-Linked Classification Criteria (2023). Collection method: clinical testing. Allele origin: unknown.
Comment: This variant is considered benign. This variant is intronic and is not expected to impact mRNA splicing.

NM_000535.7(PMS2):c.804-58C>G

Gene: PMS2 (PMS1 homolog 2, mismatch repair system component; minus strand). Cytogenetic location: 7p22.1.
Variant type: single nucleotide variant.
Coding change: c.804-58C>G on transcript NM_000535.7 (MANE Select); 58 bases into the intron before coding-DNA position 804, C replaced by G.
Molecular consequence: intron variant.
Genome position (GRCh38, 1-based): chr7:5,995,691, G>C on the plus strand (C>G on the coding strand, the complement: PMS2 is on the minus strand). VCF-style: chr7-5995691-G-C. GRCh37 (hg19) VCF-style: chr7-6035322-G-C.
Other names: c.486-58C>G (NM_001322008.2, NM_001406902.1, NM_001406883.1 and 4 more transcripts); c.495-58C>G (NM_001406881.1, NM_001406879.1, NM_001322015.2 and 6 more transcripts); c.399-58C>G (NM_001406895.1, NM_001322010.2, NM_001322004.2 and 19 more transcripts); c.133-3634C>G (NM_001406911.1); c.291-58C>G (NM_001406904.1, NM_001406905.1); c.231-58C>G (NM_001322013.2, NM_001406909.1); c.-130-58C>G (NM_001322012.2, NM_001322011.2); c.468-58C>G (NM_001406885.1); and 8 more.
Identifiers: ClinVar variation 3904428 (VCV003904428.1).